The following is an entry in ClinVar:

ClinVar aggregate classification (germline): Uncertain significance. Review status: criteria provided, multiple submitters, no conflicts (2 of 4 stars). 2 submissions from 2 submitters: Uncertain significance (2). Last evaluated 2025-01-19.

Conditions:
BBS9-related disorder. Also called: BBS9-related condition.
Bardet-Biedl syndrome 9 (BBS9). Identifiers: Orphanet 110, MedGen C1859567, MONDO:0014437, OMIM 615986.

gnomAD v4.1: 2 of 1,614,172 alleles (0.00012%); highest among the groups gnomAD compares: Non-Finnish European, 0.00017%; no homozygotes.

Submissions (2):

PreventionGenetics, part of Exact Sciences
Classification: Uncertain significance for BBS9-related condition. Last evaluated: 2025-01-19. Review status: criteria provided, single submitter. Criteria: ACMG Guidelines, 2015. Collection method: clinical testing. Allele origin: germline.
Comment: The BBS9 c.2477G>A variant is predicted to result in the amino acid substitution p.Cys826Tyr. To our knowledge, this variant has not been reported in the literature or in a large population database (gnomAD), indicating this variant is rare. At this time, the clinical significance of this variant is uncertain due to the absence of conclusive functional and genetic evidence.

Fulgent Genetics
Classification: Uncertain significance for Bardet-Biedl syndrome 9. Last evaluated: 2024-05-03. Review status: criteria provided, single submitter. Criteria: ACMG Guidelines, 2015. Collection method: clinical testing. Allele origin: germline.

NM_198428.3(BBS9):c.2477G>A (p.Cys826Tyr)

Gene: BBS9 (Bardet-Biedl syndrome 9; plus strand). Cytogenetic location: 7p14.3.
Variant type: single nucleotide variant.
Coding change: c.2477G>A on transcript NM_198428.3 (MANE Select); coding-DNA position 2477, G replaced by A.
Protein change: p.Cys826Tyr; replaces cysteine 826 with tyrosine.
Molecular consequence: missense variant. On other transcripts: non-coding transcript variant (3).
Genome position (GRCh38, 1-based): chr7:33,534,132, G>A. VCF-style: chr7-33534132-G-A. GRCh37 (hg19) VCF-style: chr7-33573744-G-A.
Other names: c.2372G>A, p.Cys791Tyr (NM_001033604.2); c.2462G>A, p.Cys821Tyr (NM_001033605.2); c.2477G>A, p.Cys826Tyr (NM_001348036.1, NM_001348041.4, NM_001348043.3 and 1 more transcripts); c.1928G>A, p.Cys643Tyr (NM_001348037.3); c.2204G>A, p.Cys735Tyr (NM_001348038.3); c.2099G>A, p.Cys700Tyr (NM_001348039.3); c.2357G>A, p.Cys786Tyr (NM_001348040.3, NM_014451.4); c.2342G>A, p.Cys781Tyr (NM_001348042.3); and 3 more; short protein forms C643Y, C735Y, C786Y, C826Y, C700Y, C781Y, C669Y, C704Y.
Identifiers: ClinVar variation 3594589 (VCV003594589.2).